The following is an entry in ClinVar:

NM_198578.4(LRRK2):c.2207A>G (p.Asn736Ser)

Gene: LRRK2 (leucine rich repeat kinase 2; plus strand). Cytogenetic location: 12q12.
Variant type: single nucleotide variant.
Coding change: c.2207A>G on transcript NM_198578.4 (MANE Select); coding-DNA position 2207, A replaced by G.
Protein change: p.Asn736Ser; replaces asparagine 736 with serine.
Molecular consequence: missense variant.
Genome position (GRCh38, 1-based): chr12:40,278,227, A>G. VCF-style: chr12-40278227-A-G. GRCh37 (hg19) VCF-style: chr12-40672029-A-G.
Other names: short protein forms N736S.
Identifiers: ClinVar variation 1787699 (VCV001787699.4), dbSNP rs1205427578, ClinGen allele CA384405261.

ClinVar aggregate classification (germline): Uncertain significance. Review status: criteria provided, multiple submitters, no conflicts (2 of 4 stars). 2 submissions from 2 submitters: Uncertain significance (2). Last evaluated 2025-10-21.

Conditions:
Autosomal dominant Parkinson disease 8. Also called: Parkinson disease 8, susceptibility to; LRRK2-Related Parkinson Disease; Parkinson disease 8. Identifiers: Orphanet 411602, MedGen C1846862, MONDO:0011764, OMIM 607060.
Inborn genetic diseases. Identifiers: MedGen C0950123, MeSH D030342.

Allele frequency attached by ClinVar (database versions not stated): gnomAD exomes below 0.00001; TOPMed below 0.00001; gnomAD 0.00001.
gnomAD v4.1: 2 of 1,614,044 alleles (0.00012%); highest among the groups gnomAD compares: African/African-American, 0.0013%; no homozygotes.

Submissions (2):

Labcorp Genetics (formerly Invitae), Labcorp
Classification: Uncertain significance for Autosomal dominant Parkinson disease 8. Last evaluated: 2025-10-21. Review status: criteria provided, single submitter. Criteria: Invitae Variant Classification Sherloc (09022015). Collection method: clinical testing. Allele origin: germline.
Comment: This sequence change replaces asparagine, which is neutral and polar, with serine, which is neutral and polar, at codon 736 of the LRRK2 protein (p.Asn736Ser). This variant is present in population databases (no rsID available, gnomAD 0.007%). This variant has not been reported in the literature in individuals affected with LRRK2-related conditions. ClinVar contains an entry for this variant (Variation ID: 1787699). An algorithm developed to predict the effect of missense changes on protein structure and function outputs the following: PolyPhen-2: "Benign". The serine amino acid residue is found in multiple mammalian species, which suggests that this missense change does not adversely affect protein function. In summary, the available evidence is currently insufficient to determine the role of this variant in disease. Therefore, it has been classified as a Variant of Uncertain Significance.

Ambry Genetics
Classification: Uncertain significance for Inborn genetic diseases. Last evaluated: 2022-08-23. Review status: criteria provided, single submitter. Criteria: Ambry Variant Classification Scheme 2023. Collection method: clinical testing. Allele origin: germline.
Comment: The p.N736S variant (also known as c.2207A>G), located in coding exon 18 of the LRRK2 gene, results from an A to G substitution at nucleotide position 2207. The asparagine at codon 736 is replaced by serine, an amino acid with highly similar properties. This amino acid position is conserved. In addition, this alteration is predicted to be tolerated by in silico analysis. Since supporting evidence is limited at this time, the clinical significance of this alteration remains unclear.